The following is an entry in ClinVar:

ClinVar aggregate classification (germline): Uncertain significance. Review status: criteria provided, multiple submitters, no conflicts (2 of 4 stars). 2 submissions from 2 submitters: Uncertain significance (2). Last evaluated 2025-11-08.

Allele frequency attached by ClinVar (database versions not stated): gnomAD 0.00006 and 0.00005; ExAC 0.00002; TOPMed 0.00007; gnomAD exomes 0.00001.
gnomAD v4.1: 16 of 1,613,830 alleles (0.00099%); highest among the groups gnomAD compares: African/African-American, 0.02%; no homozygotes.

Submissions (2):

Labcorp Genetics (formerly Invitae), Labcorp
Classification: Uncertain significance. Last evaluated: 2025-11-08. Review status: criteria provided, single submitter. Criteria: Invitae Variant Classification Sherloc (09022015). Collection method: clinical testing. Allele origin: germline.
Comment: This sequence change replaces aspartic acid, which is acidic and polar, with glutamic acid, which is acidic and polar, at codon 90 of the FGF12 protein (p.Asp90Glu). This variant is present in population databases (rs774045809, gnomAD 0.02%). This variant has not been reported in the literature in individuals affected with FGF12-related conditions. ClinVar contains an entry for this variant (Variation ID: 1431897). Invitae Evidence Modeling of protein sequence and biophysical properties (such as structural, functional, and spatial information, amino acid conservation, physicochemical variation, residue mobility, and thermodynamic stability) indicates that this missense variant is not expected to disrupt FGF12 protein function with a negative predictive value of 80%. In summary, the available evidence is currently insufficient to determine the role of this variant in disease. Therefore, it has been classified as a Variant of Uncertain Significance.

Women's Health and Genetics/Laboratory Corporation of America, LabCorp
Classification: Uncertain significance. Last evaluated: 2025-07-30. Review status: criteria provided, single submitter. Criteria: LabCorp Variant Classification Summary - May 2015. Collection method: clinical testing. Allele origin: germline.
Comment: Variant summary: FGF12 c.270T>A (p.Asp90Glu) results in a conservative amino acid change in the encoded protein sequence. Algorithms developed to predict the effect of missense changes on protein structure and function are either unavailable or do not agree on the potential impact of this missense change. The variant allele was found at a frequency of 1.2e-05 in 251298 control chromosomes. The available data on variant occurrences in the general population are insufficient to allow any conclusion about variant significance. To our knowledge, no occurrence of c.270T>A in individuals affected with Developmental And Epileptic Encephalopathy 47 and no experimental evidence demonstrating its impact on protein function have been reported. ClinVar contains an entry for this variant (Variation ID: 1431897). Based on the evidence outlined above, the variant was classified as uncertain significance.

NM_004113.6(FGF12):c.84T>A (p.Asp28Glu)

Gene: FGF12 (fibroblast growth factor 12; minus strand). Cytogenetic location: 3q28.
Variant type: single nucleotide variant.
Coding change: c.84T>A on transcript NM_004113.6 (MANE Select); coding-DNA position 84, T replaced by A.
Protein change: p.Asp28Glu; replaces aspartic acid 28 with glutamic acid.
Molecular consequence: missense variant. On other transcripts: intron variant (1).
Genome position (GRCh38, 1-based): chr3:192,360,468, A>T on the plus strand (T>A on the coding strand, the complement: FGF12 is on the minus strand). VCF-style: chr3-192360468-A-T. GRCh37 (hg19) VCF-style: chr3-192078257-A-T.
Other names: c.12T>A, p.Asp4Glu (NM_001377293.1, NM_001377294.1); c.270T>A, p.Asp90Glu (NM_021032.5); c.14-25004T>A (NM_001377292.1); short protein forms D28E, D4E, D90E.
Identifiers: ClinVar variation 1431897 (VCV001431897.9), dbSNP rs774045809, ClinGen allele CA2755844.